The following is an entry in ClinVar:

NM_001363711.2(DUOX2):c.1868G>A (p.Arg623Gln)

Gene: DUOX2 (dual oxidase 2; minus strand). Cytogenetic location: 15q21.1.
Variant type: single nucleotide variant.
Coding change: c.1868G>A on transcript NM_001363711.2 (MANE Select); coding-DNA position 1868, G replaced by A.
Protein change: p.Arg623Gln; replaces arginine 623 with glutamine.
Molecular consequence: missense variant.
Genome position (GRCh38, 1-based): chr15:45,106,605, C>T on the plus strand (G>A on the coding strand, the complement: DUOX2 is on the minus strand). VCF-style: chr15-45106605-C-T. GRCh37 (hg19) VCF-style: chr15-45398803-C-T.
Other names: c.1868G>A, p.Arg623Gln (NM_014080.5); short protein forms R623Q.
Identifiers: ClinVar variation 1405565 (VCV001405565.7), dbSNP rs368645273, ClinGen allele CA7538466.

ClinVar aggregate classification (germline): Uncertain significance. Review status: criteria provided, multiple submitters, no conflicts (2 of 4 stars). 2 submissions from 2 submitters: Uncertain significance (2). Last evaluated 2025-12-28.

Conditions:
Thyroid dyshormonogenesis 6 (TDH6). Also called: Genetic transient congenital hypothyroidism; HYPOTHYROIDISM, CONGENITAL, DUE TO DYSHORMONOGENESIS, 6; THYROID HORMONOGENESIS, GENETIC DEFECT IN, 6. Identifiers: Orphanet 226316, Orphanet 95716, MedGen C1846632, MONDO:0011792, OMIM 607200.

Allele frequency attached by ClinVar (database versions not stated): TOPMed 0.00005; ESP Exome Variant Server 0.00008.
gnomAD v4.1: 24 of 1,614,022 alleles (0.0015%); highest among the groups gnomAD compares: East Asian, 0.025%; no homozygotes.

Submissions (2):

Labcorp Genetics (formerly Invitae), Labcorp
Classification: Uncertain significance. Last evaluated: 2025-12-28. Review status: criteria provided, single submitter. Criteria: Invitae Variant Classification Sherloc (09022015). Collection method: clinical testing. Allele origin: germline.
Comment: This sequence change replaces arginine, which is basic and polar, with glutamine, which is neutral and polar, at codon 623 of the DUOX2 protein (p.Arg623Gln). This variant is present in population databases (rs368645273, gnomAD 0.06%). This missense change has been observed in individual(s) with congenital hypothyroidism (PMID: 33631011, 34564849). ClinVar contains an entry for this variant (Variation ID: 1405565). Invitae Evidence Modeling of protein sequence and biophysical properties (such as structural, functional, and spatial information, amino acid conservation, physicochemical variation, residue mobility, and thermodynamic stability) indicates that this missense variant is not expected to disrupt DUOX2 protein function with a negative predictive value of 80%. Experimental studies have shown that this missense change affects DUOX2 function (PMID: 34564849). In summary, the available evidence is currently insufficient to determine the role of this variant in disease. Therefore, it has been classified as a Variant of Uncertain Significance.

Juno Genomics, Hangzhou Juno Genomics, Inc
Classification: Uncertain significance for Thyroid dyshormonogenesis 6. Review status: criteria provided, single submitter. Criteria: ACMG Guidelines, 2015. Collection method: clinical testing. Allele origin: germline.
Comment: Absent from controls (or at extremely low frequency if recessive) in Genome Aggregation Database.;Multiple lines of computational evidence support a deleterious effect on the gene or gene product.

Literature cited by the submitters: PubMed 33631011 (cited by Labcorp Genetics (formerly Invitae), Labcorp); PubMed 34564849 (cited by Labcorp Genetics (formerly Invitae), Labcorp).